The following is an entry in ClinVar:

NC_012920.1(MT-ND4):m.11825G>A

Gene: MT-ND4 (mitochondrially encoded NADH dehydrogenase 4; plus strand).
Variant type: single nucleotide variant.
Genome position: chrM-11825-G-A.
Identifiers: ClinVar variation 693382 (VCV000693382.1), dbSNP rs879083692, ClinGen allele CA337099309.
Genomic context (GRCh38, chrMT:11,825, plus strand): 5'-CGCACTCACAGTCGCATCATAATCCTCTCTCAAGGACTTCAAACTCTACTCCCACTAATA[G>A]CTTTTTGATGACTTCTAGCAAGCCTCGCTAACCTCGCCTTACCCCCCACTATTAACCTAC-3'

ClinVar aggregate classification (germline): Uncertain significance (1 of 4 stars; one submission).

Conditions:
Leigh syndrome (NULS). Also called: Leigh's necrotizing encephalopathy; Leigh's disease; Leigh Syndrome (mtDNA deletion); Leigh Disease; Subacute necrotizing encephalopathy; Necrotizing encephalopathy infantile subacute of Leigh. Identifiers: Orphanet 506, MedGen C2931891, MONDO:0009723, OMIM 256000.

Submission:

Wong Mito Lab, Molecular and Human Genetics, Baylor College of Medicine
Classification: Uncertain significance for Leigh syndrome. Last evaluated: 2019-10-17. Review status: criteria provided, single submitter. Criteria: Modified ACMG Guidelines (Unpublished). Collection method: clinical testing. Allele origin: germline.
Comment: The NC_012920.1:m.11825G>A (YP_003024035.1:p.Ala356Thr) variant in MTND4 gene is interpretated to be a Uncertain Significance variant based on the modified ACMG guidelines (unpublished). This variant meets the following evidence codes: PP6, BP4